The following is an entry in ClinVar:

ClinVar aggregate classification (germline): Conflicting classifications of pathogenicity. Review status: criteria provided, conflicting classifications (1 of 4 stars). 2 submissions from 2 submitters: Uncertain significance (1); Likely benign (1). Last evaluated 2024-02-23.

Conditions:
Inborn genetic diseases. Identifiers: MedGen C0950123, MeSH D030342.

Allele frequency attached by ClinVar (database versions not stated): gnomAD 0.00004.
gnomAD v4.1: 54 of 1,604,276 alleles (0.0034%); highest among the groups gnomAD compares: East Asian, 0.036%; 2 homozygotes.

Submissions (2):

Labcorp Genetics (formerly Invitae), Labcorp
Classification: Uncertain significance. Last evaluated: 2024-02-23. Review status: criteria provided, single submitter. Criteria: Invitae Variant Classification Sherloc (09022015). Collection method: clinical testing. Allele origin: germline.
Comment: This sequence change replaces glycine, which is neutral and non-polar, with glutamic acid, which is acidic and polar, at codon 831 of the MAST1 protein (p.Gly831Glu). This variant is present in population databases (rs369276612, gnomAD 0.05%), and has an allele count higher than expected for a pathogenic variant. This variant has not been reported in the literature in individuals affected with MAST1-related conditions. ClinVar contains an entry for this variant (Variation ID: 2076400). An algorithm developed to predict the effect of missense changes on protein structure and function (PolyPhen-2) suggests that this variant is likely to be tolerated. In summary, the available evidence is currently insufficient to determine the role of this variant in disease. Therefore, it has been classified as a Variant of Uncertain Significance.

Ambry Genetics
Classification: Likely benign for Inborn genetic diseases. Last evaluated: 2023-03-06. Review status: criteria provided, single submitter. Criteria: Ambry Variant Classification Scheme 2023. Collection method: clinical testing. Allele origin: germline.

NM_014975.3(MAST1):c.2492G>A (p.Gly831Glu)

Genes: MAST1 (microtubule associated serine/threonine kinase 1; plus strand), LOC112543452 (Sharpr-MPRA regulatory region 6054; plus strand). Cytogenetic location: 19p13.13.
Variant type: single nucleotide variant.
Coding change: c.2492G>A on transcript NM_014975.3 (MANE Select); coding-DNA position 2492, G replaced by A.
Protein change: p.Gly831Glu; replaces glycine 831 with glutamic acid.
Molecular consequence: missense variant.
Genome position (GRCh38, 1-based): chr19:12,867,903, G>A. VCF-style: chr19-12867903-G-A. GRCh37 (hg19) VCF-style: chr19-12978717-G-A.
Other names: c.2492G>A (NM_014975.2); short protein forms G831E.
Identifiers: ClinVar variation 2076400 (VCV002076400.5), dbSNP rs369276612, ClinGen allele CA9233157.